The following is an entry in ClinVar:

NM_003690.5(PRKRA):c.665C>T (p.Pro222Leu)

Genes: CHROMR (cholesterol induced regulator of metabolism RNA; plus strand), PRKRA (protein activator of interferon induced protein kinase EIF2AK2; minus strand). Cytogenetic location: 2q31.2.
Variant type: single nucleotide variant.
Coding change: c.665C>T on transcript NM_003690.5 (MANE Select); coding-DNA position 665, C replaced by T.
Protein change: p.Pro222Leu; replaces proline 222 with leucine.
Molecular consequence: missense variant.
Genome position (GRCh38, 1-based): chr2:178,436,264, G>A on the plus strand (C>T on the coding strand, the complement: PRKRA is on the minus strand). VCF-style: chr2-178436264-G-A. GRCh37 (hg19) VCF-style: chr2-179300991-G-A.
Other names: c.632C>T, p.Pro211Leu (NM_001139517.2); c.590C>T, p.Pro197Leu (NM_001139518.2); c.326C>T, p.Pro109Leu (NM_001316362.2); short protein forms P222L, P211L, P109L, P197L.
Identifiers: ClinVar variation 6346 (VCV000006346.23), dbSNP rs121434410, ClinGen allele CA118133.

ClinVar aggregate classification (germline): Pathogenic/Likely pathogenic. Review status: criteria provided, multiple submitters, no conflicts (2 of 4 stars). 12 submissions from 12 submitters: Pathogenic (7); Likely pathogenic (2). 3 of the submissions do not count toward it. Last evaluated 2025-06-23.

Conditions:
PRKRA-related disorder. Also called: PRKRA-related condition.
Dystonia 16 (DYT16). Also called: DYT-PRKRA. Identifiers: Orphanet 210571, MedGen C2677567, MONDO:0012789, OMIM 612067.

Allele frequency attached by ClinVar (database versions not stated): gnomAD 0.00009; gnomAD exomes 0.00010 and 0.00008; ExAC 0.00015; TOPMed 0.00011.
gnomAD v4.1: 132 of 1,613,684 alleles (0.0082%); highest among the groups gnomAD compares: Admixed American, 0.022%; no homozygotes.

Submissions (12):

Labcorp Genetics (formerly Invitae), Labcorp
Classification: Pathogenic for Dystonia 16. Last evaluated: 2025-06-23. Review status: criteria provided, single submitter. Criteria: Invitae Variant Classification Sherloc (09022015). Collection method: clinical testing. Allele origin: germline.
Comment: This sequence change replaces proline, which is neutral and non-polar, with leucine, which is neutral and non-polar, at codon 222 of the PRKRA protein (p.Pro222Leu). This variant is present in population databases (rs121434410, gnomAD 0.02%). This missense change has been observed in individuals with autosomal recessive dystonia (PMID: 18243799, 25142429, 26990861). It has also been observed to segregate with disease in related individuals. ClinVar contains an entry for this variant (Variation ID: 6346). Invitae Evidence Modeling of protein sequence and biophysical properties (such as structural, functional, and spatial information, amino acid conservation, physicochemical variation, residue mobility, and thermodynamic stability) indicates that this missense variant is not expected to disrupt PRKRA protein function with a negative predictive value of 80%. Experimental studies have shown that this missense change affects PRKRA function (PMID: 26231208). For these reasons, this variant has been classified as Pathogenic.

Laboratorio de Genetica e Diagnostico Molecular, Hospital Israelita Albert Einstein
Classification: Pathogenic for Dystonia 16. Last evaluated: 2025-01-24. Review status: criteria provided, single submitter. Criteria: ACMG Guidelines, 2015. Collection method: clinical testing. Allele origin: germline. Affected: yes.
Comment: ACMG classification criteria: PS3 supporting, PM3 very strong, PP1 supporting, BP4 supporting

Dasa
Classification: Likely pathogenic. Last evaluated: 2024-10-29. Review status: criteria provided, single submitter. Criteria: DASA Assertion Criteria. Collection method: clinical testing. Allele origin: germline.
Comment: NM_003690.5(PRKRA):c.665C>T (p.Pro222Leu) is a missense variant that results in the substitution of proline with leucine. Segregation data support an association with disease in the reported family/families (PMID: 18243799; PMID: 25142429). This variant has been recurrently observed in individuals with PRKRA-related disorders (PMID: 18243799; PMID: 25142429). Functional evidence supports an impact on the gene or gene product. Also, this variant is rare in population databases. Based on the currently available evidence, this variant is classified as likely pathogenic.

GeneDx
Classification: Pathogenic. Last evaluated: 2023-12-03. Review status: criteria provided, single submitter. Criteria: GeneDx Variant Classification Process June 2021. Collection method: clinical testing. Allele origin: germline. Affected: yes.
Comment: Published functional studies demonstrate a damaging effect (PMID: 26231208); In silico analysis supports that this missense variant does not alter protein structure/function; This variant is associated with the following publications: (PMID: 22194846, 26231208, 34758253, 18243799, 25737287, 29279192, 25142429, 26990861, 31216405, 33049316, 31589614, 33606314)

3billion
Classification: Likely pathogenic for Dystonia 16. Last evaluated: 2023-10-06. Review status: criteria provided, single submitter. Criteria: ACMG Guidelines, 2015. Collection method: clinical testing. Allele origin: germline. Affected: yes.
Comment: The variant is observed at an extremely low frequency in the gnomAD v2.1.1 dataset (total allele frequency: 0.010%). Predicted Consequence/Location: Missense variant In silico tool predictions suggest no damaging effect of the variant on gene or gene product [REVEL: 0.35 (<0.4); 3Cnet: 0.02 (<0.15, specificity 0.78 and negative predicitive value 0.92)]. Same nucleotide change resulting in same amino acid change has been previously reported as pathogenic/likely pathogenic with strong evidence (ClinVar ID: VCV000006346 /PMID: 18243799 /3billion dataset). The variant has been reported to be in trans with a pathogenic variant as either compound heterozygous or homozygous in at least one similarly affected unrelated individual (PMID: 18243799). The variant has been reported to co-segregate with the disease in at least one similarly affected relative/individual in the same family or similarly affected unrelated family (PMID: 18243799). Therefore, this variant is classified as Likely pathogenic according to the recommendation of ACMG/AMP guideline.

Department of Pathology and Laboratory Medicine, Sinai Health System
Classification: Pathogenic for Dystonia 16. Last evaluated: 2022-05-11. Review status: criteria provided, single submitter. Criteria: ACMG Guidelines, 2015. Collection method: research. Allele origin: germline.

Fulgent Genetics
Classification: Pathogenic for Dystonia 16. Last evaluated: 2021-10-26. Review status: criteria provided, single submitter. Criteria: ACMG Guidelines, 2015. Collection method: clinical testing. Allele origin: unknown.

Mendelics
Classification: Pathogenic for Dystonia 16. Last evaluated: 2019-05-28. Review status: criteria provided, single submitter. Criteria: Mendelics Assertion Criteria 2017. Collection method: clinical testing. Allele origin: unknown.

Baylor Genetics
Classification: Pathogenic for Dystonia 16. Last evaluated: 2017-12-31. Review status: criteria provided, single submitter. Criteria: ACMG Guidelines, 2015. Collection method: clinical testing. Allele origin: germline. Affected: yes.

PreventionGenetics, part of Exact Sciences
Classification: Pathogenic for PRKRA-related condition. Last evaluated: 2024-02-23. Review status: no assertion criteria provided. Collection method: clinical testing. Allele origin: germline. Not counted in ClinVar's aggregate classification.
Comment: The PRKRA c.665C>T variant is predicted to result in the amino acid substitution p.Pro222Leu. This variant was reported in the homozygous and compound heterozygous state in individuals with dystonia-parkinsonism and has been shown to segregate with disease in families (Camargos et al. 2008. PubMed ID: 18243799; Zech et al. 2014. PubMed ID: 25142429; Quadri et al. 2016. PubMed ID: 26990861; Dos Santos et al. 2017. PubMed ID: 29279192; Molloy et al. 2022. PubMed ID: 36186440). This variant is reported in 0.025% of alleles in individuals of Latino descent in gnomAD . In vitro experimental studies suggest this variant impacts protein function (Vaughn et al. 2015. PubMed ID: 26231208; Burnett et al. 2020. PubMed ID: 33049316). This variant is interpreted as pathogenic.

OMIM
Classification: Pathogenic for DYSTONIA 16. Last evaluated: 2014-10-01. Review status: no assertion criteria provided. Collection method: literature only. Allele origin: germline. Not counted in ClinVar's aggregate classification.

Genomics England Pilot Project, Genomics England
Classification: Pathogenic for Dystonia 16. Review status: no assertion criteria provided. Criteria: ACGS Guidelines, 2016. Collection method: clinical testing. Allele origin: germline. Affected: yes. Not counted in ClinVar's aggregate classification.

Literature cited by the submitters: PubMed 18243799 (cited by 5 submitters); PubMed 25142429 (cited by 4 submitters); PubMed 26990861 (cited by Labcorp Genetics (formerly Invitae), Labcorp and Baylor Genetics); PubMed 26231208 (cited by 3 submitters).